The following is an entry in ClinVar:

NM_001276270.2(MBD4):c.1179C>A (p.Phe393Leu)

Gene: MBD4 (methyl-CpG binding domain 4, DNA glycosylase; minus strand). Cytogenetic location: 3q21.3.
Variant type: single nucleotide variant.
Coding change: c.1179C>A on transcript NM_001276270.2 (MANE Select); coding-DNA position 1179, C replaced by A.
Protein change: p.Phe393Leu; replaces phenylalanine 393 with leucine.
Molecular consequence: missense variant. On other transcripts: intron variant (1).
Genome position (GRCh38, 1-based): chr3:129,436,465, G>T on the plus strand (C>A on the coding strand, the complement: MBD4 is on the minus strand). VCF-style: chr3-129436465-G-T. GRCh37 (hg19) VCF-style: chr3-129155308-G-T.
Other names: c.1179C>A, p.Phe393Leu (NM_001276271.2, NM_001276272.2, NM_003925.3); c.247+1343C>A (NM_001276273.2); short protein forms F393L.
Identifiers: ClinVar variation 4719027 (VCV004719027.1).

ClinVar aggregate classification (germline): Uncertain significance (1 of 4 stars; one submission).

Submission:

Labcorp Genetics (formerly Invitae), Labcorp
Classification: Uncertain significance. Last evaluated: 2025-05-06. Review status: criteria provided, single submitter. Criteria: Invitae Variant Classification Sherloc (09022015). Collection method: clinical testing. Allele origin: germline.
Comment: This sequence change replaces phenylalanine, which is neutral and non-polar, with leucine, which is neutral and non-polar, at codon 393 of the MBD4 protein (p.Phe393Leu). This variant is not present in population databases (gnomAD no frequency). This variant has not been reported in the literature in individuals affected with MBD4-related conditions. An algorithm developed to predict the effect of missense changes on protein structure and function outputs the following: PolyPhen-2: "Benign". The leucine amino acid residue is found in multiple mammalian species, which suggests that this missense change does not adversely affect protein function. In summary, the available evidence is currently insufficient to determine the role of this variant in disease. Therefore, it has been classified as a Variant of Uncertain Significance.